The following continues an entry in ClinVar:

NM_213653.4(HJV):c.959G>T (p.Gly320Val)

Gene: HJV. ClinVar aggregate classification (germline): Pathogenic. Pathogenic (15).

Submissions 14 to 17 of 17:

Illumina Laboratory Services, Illumina
Classification: Pathogenic for Hemochromatosis type 2A. Last evaluated: 2018-12-19. Review status: criteria provided, single submitter. Criteria: ICSL Variant Classification Criteria 09 May 2019. Collection method: clinical testing. Allele origin: germline.
Comment: Across a selection of the available literature, the HEF2 c.959G>T (p.Gly320Val) missense variant, described as the most common variant associated with juvenile hereditary hemochromatosis, has been identified in a homozygous state in at least 30 individuals with juvenile hereditary hemochromatosis and in a compound heterozygous state in another four individuals (Papanikolaou et al. 2004; Lanzara et al. 2004; Gehrke et al. 2005; Aguilar-Martinez et al. 2007; Brakensiek et al 2009; Farrell et al. 2015). The p.Gly320Val variant was absent from over 900 controls including approximately 360 healthy Caucasian and African American individuals, and is reported at a frequency of 0.00047 in the European American population of the Exome Sequencing Project (Papanikolaou et al. 20This variant was observed by ICSL as part of a predisposition screen in an ostensibly healthy population.04; Lanzara et al. 2004; Barton et al. 2004). The Gly320 residue is highly conserved across species (Papanikolaou et al. 2004). Based on the collective evidence, the p.Gly320Val variant is classified as pathogenic for juvenile hereditary hemochromatosis. The GJA5 c.744C>A (p.Cys248Ter) variant is a stop gained variant predicted to result in premature termination of the protein. A literature search was performed for the gene, cDNA change, and amino acid change. No publications were found based on this search. This variant is not found in the 1000 Genomes Project, the Exome Sequencing Project, Exome Aggregation Consortium, or the Genome Aggregation Database. This variant is located in the last exon and may escape nonsense-mediated decay. Based on the variant frequency, disease prevalence, disease penetrance, and inheritance mode, this variant could not be ruled out of causing disease. Due to the potential impact of stop-gained variants and the lack of clarifying evidence, the p.Cys248Ter variant is classified as a variant of unknown significance but suspicious for pathogenicity for familial atrial fibrillation. This variant was observed by ICSL as part of a predisposition screen in an ostensibly healthy population.

Laboratory for Molecular Medicine, Mass General Brigham Personalized Medicine
Classification: Pathogenic for Juvenile hemochromatosis. Last evaluated: 2018-03-28. Review status: criteria provided, single submitter. Criteria: ACMG Guidelines, 2015. Collection method: clinical testing. Allele origin: germline. Inheritance: Autosomal recessive inheritance. Study: CSER-MedSeq.
Comment: The Gly320Val variant in HFE2 is the most frequent pathogenic variant in HFE2 (also known as HJV) and has been reported in many patients with juvenile hemochromatosis, both in the homozygous and compound heterozygous states (Papanikolaou 2004, Lanzara 2004, Lee 2004, Agilar-Martinez 2007). It has been identified in 0.04% (4/8600) of European American chromosomes by the NHLBI Exome Sequencing Project (dbSNP rs74315323). In summary, this variant meets our criteria to be classified as pathogenic.

OMIM
Classification: Pathogenic for HEMOCHROMATOSIS, TYPE 2A. Last evaluated: 2009-11-01. Review status: no assertion criteria provided. Collection method: literature only. Allele origin: germline. Not counted in ClinVar's aggregate classification.

OMIM
Classification: Pathogenic for HEMOCHROMATOSIS, HEREDITARY. Last evaluated: 2009-11-01. Review status: no assertion criteria provided. Collection method: literature only. Allele origin: germline. Not counted in ClinVar's aggregate classification.

Literature cited by the submitters: PubMed 14647275 (cited by 5 submitters); PubMed 14982873 (cited by 4 submitters); PubMed 15811010 (cited by 3 submitters); PubMed 22408404 (cited by Labcorp Genetics (formerly Invitae), Labcorp and Laboratory for Molecular Medicine, Mass General Brigham Personalized Medicine); PubMed 16103117 (cited by Labcorp Genetics (formerly Invitae), Labcorp); PubMed 18827264 (cited by Labcorp Genetics (formerly Invitae), Labcorp); PubMed 15967692 (cited by Natera, Inc.); PubMed 15710580 (cited by Natera, Inc.); PubMed 15610558 (cited by Illumina Laboratory Services, Illumina); PubMed 19796184 (cited by Illumina Laboratory Services, Illumina and OMIM); PubMed 17339196 (cited by Illumina Laboratory Services, Illumina and Laboratory for Molecular Medicine, Mass General Brigham Personalized Medicine); PubMed 14982867 (cited by Laboratory for Molecular Medicine, Mass General Brigham Personalized Medicine); PubMed 15254010 (cited by OMIM); PubMed 12891378 (cited by OMIM).